The following is an entry in ClinVar:

NM_001723.7(DST):c.6749C>T (p.Ala2250Val)

Gene: DST (dystonin; minus strand). Cytogenetic location: 6p12.1.
Variant type: single nucleotide variant.
Coding change: c.6749C>T on transcript NM_001723.7 (MANE Plus Clinical); coding-DNA position 6749, C replaced by T.
Protein change: p.Ala2250Val; replaces alanine 2250 with valine.
Molecular consequence: missense variant. On other transcripts: intron variant (10).
Genome position (GRCh38, 1-based): chr6:56,616,718, G>A on the plus strand (C>T on the coding strand, the complement: DST is on the minus strand). VCF-style: chr6-56616718-G-A. GRCh37 (hg19) VCF-style: chr6-56481516-G-A.
Other names: c.4831-2234C>T (NM_001144769.5); c.4930-2234C>T (NM_001374722.1, NM_001374736.1); c.4957-2234C>T (NM_001374734.1); c.4417-2234C>T (NM_001144770.2); c.4297-2234C>T (NM_001374730.1, NM_001386100.1, NM_183380.4 and 1 more transcripts); c.3319-2234C>T (NM_015548.5); short protein forms A2250V.
Identifiers: ClinVar variation 1984444 (VCV001984444.2), dbSNP rs547215818, ClinGen allele CA3870102.

ClinVar aggregate classification (germline): Uncertain significance (1 of 4 stars; one submission).

Conditions:
Hereditary sensory and autonomic neuropathy type 6. Also called: Neuropathy, hereditary sensory and autonomic, type VI; HSAN VI. Identifiers: Orphanet 314381, MedGen C3539003, MONDO:0013839, OMIM 614653.
Epidermolysis bullosa simplex 3, localized or generalized intermediate, with BP230 deficiency (EBS3). Also called: Epidermolysis bullosa simplex due to BP230 deficiency; Epidermolysis bullosa simplex, autosomal recessive 2. Identifiers: Orphanet 412181, MedGen C3809470, MONDO:0014180, OMIM 615425.

Allele frequency attached by ClinVar (database versions not stated): gnomAD exomes 0.00001; ExAC 0.00002; gnomAD 0.00002; TOPMed 0.00002; 1000 Genomes Project 0.00020; 1000 Genomes Project 30x 0.00031.
gnomAD v4.1: 14 of 1,614,134 alleles (0.00087%); highest among the groups gnomAD compares: African/African-American, 0.008%; no homozygotes.

Submission:

Labcorp Genetics (formerly Invitae), Labcorp
Classification: Uncertain significance for Epidermolysis bullosa simplex 3, localized or generalized intermediate, with BP230 deficiency; Hereditary sensory and autonomic neuropathy type 6. Last evaluated: 2022-06-10. Review status: criteria provided, single submitter. Criteria: Invitae Variant Classification Sherloc (09022015). Collection method: clinical testing. Allele origin: germline.
Comment: This variant has not been reported in the literature in individuals affected with DST-related conditions. The frequency data for this variant in the population databases is considered unreliable, as metrics indicate poor data quality at this position in the gnomAD database. This sequence change replaces alanine, which is neutral and non-polar, with valine, which is neutral and non-polar, at codon 2250 of the DST protein (p.Ala2250Val). In summary, the available evidence is currently insufficient to determine the role of this variant in disease. Therefore, it has been classified as a Variant of Uncertain Significance. Algorithms developed to predict the effect of missense changes on protein structure and function are either unavailable or do not agree on the potential impact of this missense change (SIFT: "Tolerated"; PolyPhen-2: "Possibly Damaging"; Align-GVGD: "Class C0").